The following is an entry in ClinVar:

ClinVar aggregate classification (germline): Pathogenic/Likely pathogenic. Review status: criteria provided, multiple submitters, no conflicts (2 of 4 stars). 2 submissions from 2 submitters: Pathogenic (1); Likely pathogenic (1). Last evaluated 2026-07-21.

Conditions:
COL11A2-related disorder. Also called: COL11A2-related condition; COL11A2-related disorders.

gnomAD v4.1: 2 of 1,551,162 alleles (0.00013%); highest among the groups gnomAD compares: Non-Finnish European, 0.00017%; no homozygotes.

Submissions (2):

PreventionGenetics, part of Exact Sciences
Classification: Likely pathogenic for COL11A2-related condition. Last evaluated: 2026-07-21. Review status: criteria provided, single submitter. Criteria: ACMG Guidelines, 2015. Collection method: clinical testing. Allele origin: germline.
Comment: The COL11A2 c.914C>A variant is predicted to result in premature protein termination (p.Ser305*). To our knowledge, this variant has not been reported in the literature or in a large population database (gnomAD), indicating this variant is rare. Loss-of-function variants in COL11A2 have been reported to be pathogenic in both autosomal recessive and autosomal dominant forms of COL11A2-related hearing loss (for example: Table S3, Sloan-Heggen et al. 2016. PubMed ID: 26969326; Iwasa et al. 2016. PubMed ID: 27911912; van Beeck Calkoen et al. 2019. PubMed ID: 31152317; Garcia-Garcia et al. 2020. PubMed ID: 33297549; Wang et al. 2021. PubMed ID: 33597575). This variant is interpreted as likely pathogenic.

Labcorp Genetics (formerly Invitae), Labcorp
Classification: Pathogenic. Last evaluated: 2024-10-26. Review status: criteria provided, single submitter. Criteria: Invitae Variant Classification Sherloc (09022015). Collection method: clinical testing. Allele origin: germline.
Comment: This sequence change creates a premature translational stop signal (p.Ser305*) in the COL11A2 gene. It is expected to result in an absent or disrupted protein product. Loss-of-function variants in COL11A2 are known to be pathogenic (PMID: 10677296, 21204229). This variant is not present in population databases (gnomAD no frequency). This variant has not been reported in the literature in individuals affected with COL11A2-related conditions. Algorithms developed to predict the effect of sequence changes on RNA splicing suggest that this variant may disrupt the consensus splice site. For these reasons, this variant has been classified as Pathogenic.

Literature cited by the submitters: PubMed 10677296 (cited by Labcorp Genetics (formerly Invitae), Labcorp); PubMed 21204229 (cited by Labcorp Genetics (formerly Invitae), Labcorp).

NM_080680.3(COL11A2):c.914C>A (p.Ser305Ter)

Gene: COL11A2 (collagen type XI alpha 2 chain; minus strand). Cytogenetic location: 6p21.32.
Variant type: single nucleotide variant.
Coding change: c.914C>A on transcript NM_080680.3 (MANE Select); coding-DNA position 914, C replaced by A.
Protein change: p.Ser305Ter; replaces serine 305 with a stop codon.
Molecular consequence: nonsense. On other transcripts: intron variant (1).
Genome position (GRCh38, 1-based): chr6:33,185,017, G>T on the plus strand (C>A on the coding strand, the complement: COL11A2 is on the minus strand). VCF-style: chr6-33185017-G-T. GRCh37 (hg19) VCF-style: chr6-33152794-G-T.
Other names: c.914C>A, p.Ser305Ter (NM_001424108.1); c.68C>A, p.Ser23Ter (NM_001424109.1, NM_001424110.1, NM_001424111.1); c.836C>A, p.Ser279Ter (NM_080681.3); c.798+1610C>A (NM_080679.3); c.914C>A (NM_080680.2); short protein forms S279*, S23*, S305*.
Identifiers: ClinVar variation 3663065 (VCV003663065.3).